The following is an entry in ClinVar:

NM_000193.4(SHH):c.1040C>T (p.Pro347Leu)

Gene: SHH (sonic hedgehog signaling molecule; minus strand). Cytogenetic location: 7q36.3.
Variant type: single nucleotide variant.
Coding change: c.1040C>T on transcript NM_000193.4 (MANE Select); coding-DNA position 1040, C replaced by T.
Protein change: p.Pro347Leu; replaces proline 347 with leucine.
Molecular consequence: missense variant. On other transcripts: intron variant (1).
Genome position (GRCh38, 1-based): chr7:155,803,249, G>A on the plus strand (C>T on the coding strand, the complement: SHH is on the minus strand). VCF-style: chr7-155803249-G-A. GRCh37 (hg19) VCF-style: chr7-155595943-G-A.
Other names: c.302-3004C>T (NM_001310462.2); c.1040C>T (NM_000193.3); short protein forms P347L.
Identifiers: ClinVar variation 545575 (VCV000545575.6), dbSNP rs886042458, ClinGen allele CA370145326.

ClinVar aggregate classification (germline): Pathogenic/Likely pathogenic. Review status: criteria provided, multiple submitters, no conflicts (2 of 4 stars). 4 submissions from 4 submitters: Pathogenic (2); Likely pathogenic (2). Last evaluated 2025-02-27.

Conditions:
Holoprosencephaly 3 (HPE3). Identifiers: Orphanet 2162, MedGen C1840529, MONDO:0007733, OMIM 142945.
Solitary median maxillary central incisor syndrome. Also called: FUSED INCISORS; SINGLE CENTRAL MAXILLARY INCISOR; Solitary median maxillary central incisor; Single Central Incisor Syndrome; SMMCI SYNDROME. Identifiers: MedGen C1840235, MONDO:0007819, OMIM 147250, HP:0006315.
SHH-related disorder. Also called: SHH-related disorders; SHH-related condition.

Submissions (4):

Laboratory of Molecular Genetics, CHU Rennes
Classification: Likely pathogenic for Solitary median maxillary central incisor syndrome. Last evaluated: 2025-02-27. Review status: criteria provided, single submitter. Criteria: ACMG Guidelines, 2015. Collection method: clinical testing. Allele origin: unknown. Inheritance: Oligogenic inheritance. Affected: yes.
Comment: The NM_000193.4:c.1040C>T, is a missense variant in SHH in the Hint domain (PM1), absent from controls (PM2), predicted pathogenic by prediction tools (PP3). This variant inherited (two brothers affected) is probably involved in the pathophysiology of holoprosencephaly according to the oligogenic model described in Kim et al (Brain 2019) and is classified as likely pathogenic.

GeneDx
Classification: Likely pathogenic. Last evaluated: 2023-06-12. Review status: criteria provided, single submitter. Criteria: GeneDx Variant Classification Process June 2021. Collection method: clinical testing. Allele origin: germline. Affected: yes.
Comment: Identified in a patient with holoprosencephaly in published literature (Roessler et al., 2009); Not observed at significant frequency in large population cohorts (gnomAD); In silico analysis supports that this missense variant has a deleterious effect on protein structure/function; This variant is associated with the following publications: (PMID: 19603532, 32939873)

Women's Health and Genetics/Laboratory Corporation of America, LabCorp
Classification: Pathogenic for SHH-Related Disorders. Last evaluated: 2023-01-18. Review status: criteria provided, single submitter. Criteria: LabCorp Variant Classification Summary - May 2015. Collection method: clinical testing. Allele origin: germline.
Comment: Variant summary: SHH c.1040C>T (p.Pro347Leu) results in a non-conservative amino acid change located in the Hint domain (IPR001767) of the encoded protein sequence. Five of five in-silico tools predict a damaging effect of the variant on protein function. The variant was absent in 130974 control chromosomes (gnomAD). c.1040C>T has been reported in the literature in an individual affected with holoprosencephaly (Roessler_2009, Mercier_2011), and further information submitted to ClinVar from this lab (Muenke lab, National Institutes of Health) has indicated that this was a de novo occurrence. These data suggest that the variant may be associated with holoprosencephaly, a SHH-Related Disorder. A study examining the variant in a zebrafish model found that unlike the wild-type protein, Pro347Leu was unable to rescue the null phenotype, indicating that it impairs protein function. Furthermore, other variants which affect the same residue (e.g. P347R, P347Q) have also been reported in holoproencephaly patients (Roessler_2009, HGMD database). One submitter has provided a clinical-significance assessment for this variant to ClinVar after 2014 and classified the variant as pathogenic. Based on the evidence outlined above, the variant was classified as pathogenic.

Muenke lab, National Institutes of Health
Classification: Pathogenic for Holoprosencephaly 3. Last evaluated: 2017-03-15. Review status: criteria provided, single submitter. Criteria: ACMG Guidelines, 2015. Collection method: clinical testing. Allele origin: de novo. Inheritance: Sporadic. Affected: yes.

Literature cited by the submitters: PubMed 32939873 (cited by Women's Health and Genetics/Laboratory Corporation of America, LabCorp); PubMed 21940735 (cited by Women's Health and Genetics/Laboratory Corporation of America, LabCorp); PubMed 19603532 (cited by Women's Health and Genetics/Laboratory Corporation of America, LabCorp).